The following is an entry in ClinVar:

ClinVar aggregate classification (germline): Pathogenic. Review status: criteria provided, multiple submitters, no conflicts (2 of 4 stars). 3 submissions from 3 submitters: Pathogenic (3). Last evaluated 2024-09-03.

Conditions:
Familial cancer of breast. Also called: Hereditary breast cancer; hereditary breast carcinoma; BREAST CANCER, FAMILIAL. Identifiers: Orphanet 227535, MedGen C0346153, MONDO:0016419, OMIM 114480. Disease mechanism: loss of function.
Hereditary cancer-predisposing syndrome. Also called: Hereditary neoplastic syndrome; Neoplastic Syndromes, Hereditary; Tumor predisposition; Hereditary Cancer Syndrome. Identifiers: Orphanet 140162, MedGen C0027672, MeSH D009386, MONDO:0015356.
Ataxia-telangiectasia syndrome (AT). Also called: Ataxia telangiectasia (A-T); LOUIS-BAR SYNDROME; Cerebello-oculocutaneous telangiectasia; Immunodeficiency with ataxia telangiectasia; Ataxia-telangiectasia, complementation group D; AT, COMPLEMENTATION GROUP C. Identifiers: Orphanet 100, MedGen C0004135, MONDO:0008840, OMIM 208900.

Submissions (3):

Labcorp Genetics (formerly Invitae), Labcorp
Classification: Pathogenic for Ataxia-telangiectasia syndrome. Last evaluated: 2024-09-03. Review status: criteria provided, single submitter. Criteria: Invitae Variant Classification Sherloc (09022015). Collection method: clinical testing. Allele origin: germline.
Comment: This sequence change creates a premature translational stop signal (p.Leu2450*) in the ATM gene. It is expected to result in an absent or disrupted protein product. Loss-of-function variants in ATM are known to be pathogenic (PMID: 23807571, 25614872). This variant is not present in population databases (gnomAD no frequency). This variant has not been reported in the literature in individuals affected with ATM-related conditions. ClinVar contains an entry for this variant (Variation ID: 1758435). For these reasons, this variant has been classified as Pathogenic.

Myriad Genetics, Inc.
Classification: Pathogenic for Familial cancer of breast. Last evaluated: 2024-01-31. Review status: criteria provided, single submitter. Criteria: Myriad Autosomal Dominant, Autosomal Recessive and X-Linked Classification Criteria (2023). Collection method: clinical testing. Allele origin: unknown.
Comment: This variant is considered pathogenic. This variant creates a termination codon and is predicted to result in premature protein truncation.

Ambry Genetics
Classification: Pathogenic for Hereditary cancer-predisposing syndrome. Last evaluated: 2022-01-13. Review status: criteria provided, single submitter. Criteria: Ambry Variant Classification Scheme 2023. Collection method: clinical testing. Allele origin: germline.
Comment: The p.L2450* pathogenic mutation (also known as c.7349T>A), located in coding exon 49 of the ATM gene, results from a T to A substitution at nucleotide position 7349. This changes the amino acid from a leucine to a stop codon within coding exon 49. This variant is considered to be rare based on population cohorts in the Genome Aggregation Database (gnomAD). This alteration is expected to result in loss of function by premature protein truncation or nonsense-mediated mRNA decay. As such, this alteration is interpreted as a disease-causing mutation.

Literature cited by the submitters: PubMed 23807571 (cited by Labcorp Genetics (formerly Invitae), Labcorp); PubMed 25614872 (cited by Labcorp Genetics (formerly Invitae), Labcorp).

NM_000051.4(ATM):c.7349T>A (p.Leu2450Ter)

Genes: ATM (ATM serine/threonine kinase; plus strand), C11orf65 (chromosome 11 open reading frame 65; minus strand). Cytogenetic location: 11q22.3.
Variant type: single nucleotide variant.
Coding change: c.7349T>A on transcript NM_000051.4 (MANE Select); coding-DNA position 7349, T replaced by A.
Protein change: p.Leu2450Ter; replaces leucine 2450 with a stop codon.
Molecular consequence: nonsense. On other transcripts: intron variant (2).
Genome position (GRCh38, 1-based): chr11:108,330,255, T>A. VCF-style: chr11-108330255-T-A. GRCh37 (hg19) VCF-style: chr11-108200982-T-A.
Other names: c.7349T>A, p.Leu2450Ter (NM_001351834.2); c.641-21184A>T (NM_001330368.2); c.*38+4965A>T (NM_001351110.2); short protein forms L2450*.
Identifiers: ClinVar variation 1758435 (VCV001758435.5), dbSNP rs2136454370, ClinGen allele CA382559940.